The following is an entry in ClinVar:

ClinVar aggregate classification (germline): Uncertain significance. Review status: criteria provided, multiple submitters, no conflicts (2 of 4 stars). 3 submissions from 3 submitters: Uncertain significance (3). Last evaluated 2026-02-03.

Conditions:
Cardiovascular phenotype. Identifiers: MedGen CN230736.
RASopathy. Also called: rasopathies; Noonan spectrum disorder. Identifiers: Orphanet 536391, MedGen C5555857, MONDO:0021060.

Submissions (3):

GeneDx
Classification: Uncertain significance. Last evaluated: 2026-02-03. Review status: criteria provided, single submitter. Criteria: GeneDx Variant Classification Process June 2021. Collection method: clinical testing. Allele origin: germline. Affected: yes.
Comment: Not observed at significant frequency in large population cohorts (gnomAD); In silico analysis supports that this missense variant has a deleterious effect on protein structure/function; Missense variants in this gene are a common cause of disease and they are underrepresented in the general population; Has not been previously published as pathogenic or benign to our knowledge; This variant is associated with the following publications: (PMID: 29493581)

Ambry Genetics
Classification: Uncertain significance for Cardiovascular phenotype. Last evaluated: 2024-08-11. Review status: criteria provided, single submitter. Criteria: Ambry Variant Classification Scheme 2023. Collection method: clinical testing. Allele origin: germline.
Comment: The p.E97V variant (also known as c.290A>T), located in coding exon 3 of the PTPN11 gene, results from an A to T substitution at nucleotide position 290. The glutamic acid at codon 97 is replaced by valine, an amino acid with dissimilar properties. This amino acid position is conserved. In addition, this alteration is predicted to be deleterious by in silico analysis. Based on the available evidence, the clinical significance of this variant remains unclear.

Labcorp Genetics (formerly Invitae), Labcorp
Classification: Uncertain significance for RASopathy. Last evaluated: 2023-10-12. Review status: criteria provided, single submitter. Criteria: Invitae Variant Classification Sherloc (09022015). Collection method: clinical testing. Allele origin: germline.
Comment: This sequence change replaces glutamic acid, which is acidic and polar, with valine, which is neutral and non-polar, at codon 97 of the PTPN11 protein (p.Glu97Val). This variant is not present in population databases (gnomAD no frequency). This variant has not been reported in the literature in individuals affected with PTPN11-related conditions. ClinVar contains an entry for this variant (Variation ID: 1196553). Advanced modeling of protein sequence and biophysical properties (such as structural, functional, and spatial information, amino acid conservation, physicochemical variation, residue mobility, and thermodynamic stability) performed at Invitae indicates that this missense variant is expected to disrupt PTPN11 protein function. In summary, the available evidence is currently insufficient to determine the role of this variant in disease. Therefore, it has been classified as a Variant of Uncertain Significance.

NM_002834.5(PTPN11):c.290A>T (p.Glu97Val)

Gene: PTPN11 (protein tyrosine phosphatase non-receptor type 11; plus strand). Cytogenetic location: 12q24.13.
Variant type: single nucleotide variant.
Coding change: c.290A>T on transcript NM_002834.5 (MANE Select); coding-DNA position 290, A replaced by T.
Protein change: p.Glu97Val; replaces glutamic acid 97 with valine.
Molecular consequence: missense variant.
Genome position (GRCh38, 1-based): chr12:112,450,470, A>T. VCF-style: chr12-112450470-A-T. GRCh37 (hg19) VCF-style: chr12-112888274-A-T.
Other names: c.290A>T, p.Glu97Val (NM_001330437.2, NM_080601.3); c.287A>T, p.Glu96Val (NM_001374625.1); short protein forms E96V, E97V.
Identifiers: ClinVar variation 1196553 (VCV001196553.8), dbSNP rs2135862855, ClinGen allele CA386778253.